The following is an entry in ClinVar:

ClinVar aggregate classification (germline): Uncertain significance. Review status: criteria provided, multiple submitters, no conflicts (2 of 4 stars). 3 submissions from 3 submitters: Uncertain significance (2). 1 of the submissions does not count toward it. Last evaluated 2024-08-14.

Conditions:
Hereditary cancer-predisposing syndrome. Also called: Tumor predisposition; Hereditary neoplastic syndrome; Hereditary Cancer Syndrome; Neoplastic Syndromes, Hereditary. Identifiers: Orphanet 140162, MedGen C0027672, MeSH D009386, MONDO:0015356.
Bloom syndrome (BLM). Also called: Bloom-Torre-Machacek syndrome. Identifiers: Orphanet 125, MedGen C0005859, MONDO:0008876, OMIM 210900.

gnomAD v4.1: 17 of 1,612,878 alleles (0.0011%); highest among the groups gnomAD compares: Non-Finnish European, 0.0014%; no homozygotes.

Submissions (3):

Labcorp Genetics (formerly Invitae), Labcorp
Classification: Uncertain significance for Bloom syndrome. Last evaluated: 2024-08-14. Review status: criteria provided, single submitter. Criteria: Invitae Variant Classification Sherloc (09022015). Collection method: clinical testing. Allele origin: germline.
Comment: This sequence change replaces valine, which is neutral and non-polar, with phenylalanine, which is neutral and non-polar, at codon 286 of the BLM protein (p.Val286Phe). This variant is present in population databases (rs758301305, gnomAD 0.0009%). This variant has not been reported in the literature in individuals affected with BLM-related conditions. ClinVar contains an entry for this variant (Variation ID: 576804). Invitae Evidence Modeling of protein sequence and biophysical properties (such as structural, functional, and spatial information, amino acid conservation, physicochemical variation, residue mobility, and thermodynamic stability) indicates that this missense variant is not expected to disrupt BLM protein function with a negative predictive value of 80%. In summary, the available evidence is currently insufficient to determine the role of this variant in disease. Therefore, it has been classified as a Variant of Uncertain Significance.

Ambry Genetics
Classification: Uncertain significance for Hereditary cancer-predisposing syndrome. Last evaluated: 2022-09-15. Review status: criteria provided, single submitter. Criteria: Ambry Variant Classification Scheme 2023. Collection method: clinical testing. Allele origin: germline.
Comment: The p.V286F variant (also known as c.856G>T), located in coding exon 3 of the BLM gene, results from a G to T substitution at nucleotide position 856. The valine at codon 286 is replaced by phenylalanine, an amino acid with highly similar properties. This amino acid position is poorly conserved in available vertebrate species. In addition, this alteration is predicted to be tolerated by in silico analysis. Since supporting evidence is limited at this time, the clinical significance of this alteration remains unclear.

Natera, Inc.
Classification: Uncertain significance for Bloom syndrome. Last evaluated: 2018-11-06. Review status: no assertion criteria provided. Collection method: clinical testing. Allele origin: germline. Not counted in ClinVar's aggregate classification.

NM_000057.4(BLM):c.856G>T (p.Val286Phe)

Gene: BLM (BLM RecQ like helicase; plus strand). Cytogenetic location: 15q26.1.
Variant type: single nucleotide variant.
Coding change: c.856G>T on transcript NM_000057.4 (MANE Select); coding-DNA position 856, G replaced by T.
Protein change: p.Val286Phe; replaces valine 286 with phenylalanine.
Molecular consequence: missense variant. On other transcripts: 5 prime UTR variant (1).
Genome position (GRCh38, 1-based): chr15:90,751,843, G>T. VCF-style: chr15-90751843-G-T. GRCh37 (hg19) VCF-style: chr15-91295073-G-T.
Other names: c.856G>T, p.Val286Phe (NM_001287246.2, NM_001287247.2); c.-436G>T (NM_001287248.2); c.856G>T (NM_000057.2); short protein forms V286F.
Identifiers: ClinVar variation 576804 (VCV000576804.10), dbSNP rs758301305, ClinGen allele CA7738377.
Genomic context (GRCh38, chr15:90,751,843, plus strand): 5'-GTAGATAATAGCGAAAAGAAGAAGAATTTGGAAGAAGCTGAATTACATTCAACTGAGAAA[G>T]TTCCATGTATTGAATTTGATGATGATGATTATGATACGGATTTTGTTCCACCTTCTCCAG-3'
Protein context (NP_000048.1, residues 276-296): EEAELHSTEK[Val286Phe]PCIEFDDDDY